The following is an entry in ClinVar:

NM_001134363.3(RBM20):c.2264G>T (p.Arg755Leu)

Gene: RBM20 (RNA binding motif protein 20; plus strand). Cytogenetic location: 10q25.2.
Variant type: single nucleotide variant.
Coding change: c.2264G>T on transcript NM_001134363.3 (MANE Select); coding-DNA position 2264, G replaced by T.
Protein change: p.Arg755Leu; replaces arginine 755 with leucine.
Molecular consequence: missense variant.
Genome position (GRCh38, 1-based): chr10:110,812,661, G>T. VCF-style: chr10-110812661-G-T. GRCh37 (hg19) VCF-style: chr10-112572419-G-T.
Other names: short protein forms R755L.
Identifiers: ClinVar variation 1788686 (VCV001788686.4), dbSNP rs986602724, ClinGen allele CA378373115.
Genomic context (GRCh38, chr10:110,812,661, plus strand): 5'-AGAAGTACCCGAGATCTGGGTCTCCCAACCTGCCCCACTCTGTGTCCAGCTACAAAAGCC[G>T]TGAAGACGGCTACTACCGGAAAGAGCCCAAAGCCAAGTCGGACAAGTATCTGAAGCAGCA-3'
Protein context (NP_001127835.2, residues 745-765): LPHSVSSYKS[Arg755Leu]EDGYYRKEPK

ClinVar aggregate classification (germline): Conflicting classifications of pathogenicity. Review status: criteria provided, conflicting classifications (1 of 4 stars). 2 submissions from 2 submitters: Uncertain significance (1); Benign (1). Last evaluated 2025-05-18.

Conditions:
Dilated cardiomyopathy 1DD (CMD1DD). Identifiers: Orphanet 154, MedGen C2750995, MONDO:0013168, OMIM 613172.
Cardiovascular phenotype. Identifiers: MedGen CN230736.

gnomAD v4.1: 1 of 1,551,622 alleles (0.000064%); highest among the groups gnomAD compares: African/African-American, 0.0014%; no homozygotes.

Submissions (2):

Labcorp Genetics (formerly Invitae), Labcorp
Classification: Benign for Dilated cardiomyopathy 1DD. Last evaluated: 2025-05-18. Review status: criteria provided, single submitter. Criteria: Invitae Variant Classification Sherloc (09022015). Collection method: clinical testing. Allele origin: germline.

Ambry Genetics
Classification: Uncertain significance for Cardiovascular phenotype. Last evaluated: 2021-08-19. Review status: criteria provided, single submitter. Criteria: Ambry Variant Classification Scheme 2023. Collection method: clinical testing. Allele origin: germline.
Comment: The p.R755L variant (also known as c.2264G>T), located in coding exon 9 of the RBM20 gene, results from a G to T substitution at nucleotide position 2264. The arginine at codon 755 is replaced by leucine, an amino acid with dissimilar properties. This amino acid position is conserved. In addition, the in silico prediction for this alteration is inconclusive. Since supporting evidence is limited at this time, the clinical significance of this alteration remains unclear.